The following is an entry in ClinVar:

ClinVar aggregate classification (germline): Uncertain significance (1 of 4 stars; one submission).

Submission:

Labcorp Genetics (formerly Invitae), Labcorp
Classification: Uncertain significance. Last evaluated: 2023-11-04. Review status: criteria provided, single submitter. Criteria: Invitae Variant Classification Sherloc (09022015). Collection method: clinical testing. Allele origin: germline.
Comment: This sequence change replaces valine, which is neutral and non-polar, with alanine, which is neutral and non-polar, at codon 316 of the KANK4 protein (p.Val316Ala). This variant is not present in population databases (gnomAD no frequency). This variant has not been reported in the literature in individuals affected with KANK4-related conditions. An algorithm developed to predict the effect of missense changes on protein structure and function (PolyPhen-2) suggests that this variant is likely to be tolerated. In summary, the available evidence is currently insufficient to determine the role of this variant in disease. Therefore, it has been classified as a Variant of Uncertain Significance.

NM_181712.5(KANK4):c.947T>C (p.Val316Ala)

Gene: KANK4 (KN motif and ankyrin repeat domains 4; minus strand). Cytogenetic location: 1p31.3.
Variant type: single nucleotide variant.
Coding change: c.947T>C on transcript NM_181712.5 (MANE Select); coding-DNA position 947, T replaced by C.
Protein change: p.Val316Ala; replaces valine 316 with alanine.
Molecular consequence: missense variant. On other transcripts: intron variant (1).
Genome position (GRCh38, 1-based): chr1:62,274,157, A>G on the plus strand (T>C on the coding strand, the complement: KANK4 is on the minus strand). VCF-style: chr1-62274157-A-G. GRCh37 (hg19) VCF-style: chr1-62739829-A-G.
Other names: c.17-2568T>C (NM_001320269.2); short protein forms V316A.
Identifiers: ClinVar variation 2856228 (VCV002856228.3), dbSNP rs2522871590, ClinGen allele CA340618084.